The following is an entry in ClinVar:

ClinVar aggregate classification (germline): Uncertain significance. Review status: criteria provided, multiple submitters, no conflicts (2 of 4 stars). 2 submissions from 2 submitters: Uncertain significance (2). Last evaluated 2025-11-22.

Conditions:
Hypertrophic cardiomyopathy. Also called: HYPERTROPHIC MYOCARDIOPATHY. Identifiers: Orphanet 217569, MedGen C0007194, MeSH D002312, MONDO:0005045, HP:0001639.

Allele frequency attached by ClinVar (database versions not stated): gnomAD 0.00001; gnomAD exomes 0.00001; ExAC 0.00003.
gnomAD v4.1: 9 of 1,589,338 alleles (0.00057%); highest among the groups gnomAD compares: Non-Finnish European, 0.00078%; no homozygotes.

Submissions (2):

Ambry Genetics
Classification: Uncertain significance. Last evaluated: 2025-11-22. Review status: criteria provided, single submitter. Criteria: Ambry Variant Classification Scheme 2023. Collection method: clinical testing. Allele origin: germline.
Comment: The p.L337V variant (also known as c.1009C>G), located in coding exon 5 of the MYOM1 gene, results from a C to G substitution at nucleotide position 1009. The leucine at codon 337 is replaced by valine, an amino acid with highly similar properties. This amino acid position is conserved. In addition, this alteration is predicted to be deleterious by in silico analysis. Since supporting evidence is limited at this time, the clinical significance of this alteration remains unclear.

Labcorp Genetics (formerly Invitae), Labcorp
Classification: Uncertain significance for Hypertrophic cardiomyopathy. Last evaluated: 2025-03-18. Review status: criteria provided, single submitter. Criteria: Invitae Variant Classification Sherloc (09022015). Collection method: clinical testing. Allele origin: germline.
Comment: This sequence change replaces leucine, which is neutral and non-polar, with valine, which is neutral and non-polar, at codon 337 of the MYOM1 protein (p.Leu337Val). This variant is present in population databases (rs756839782, gnomAD 0.002%). This variant has not been reported in the literature in individuals affected with MYOM1-related conditions. ClinVar contains an entry for this variant (Variation ID: 1050922). Invitae Evidence Modeling of protein sequence and biophysical properties (such as structural, functional, and spatial information, amino acid conservation, physicochemical variation, residue mobility, and thermodynamic stability) has been performed for this missense variant. However, the output from this modeling did not meet the statistical confidence thresholds required to predict the impact of this variant on MYOM1 protein function. In summary, the available evidence is currently insufficient to determine the role of this variant in disease. Therefore, it has been classified as a Variant of Uncertain Significance.

NM_003803.4(MYOM1):c.1009C>G (p.Leu337Val)

Gene: MYOM1 (myomesin 1; minus strand). Cytogenetic location: 18p11.31.
Variant type: single nucleotide variant.
Coding change: c.1009C>G on transcript NM_003803.4 (MANE Select); coding-DNA position 1009, C replaced by G.
Protein change: p.Leu337Val; replaces leucine 337 with valine.
Molecular consequence: missense variant.
Genome position (GRCh38, 1-based): chr18:3,176,055, G>C on the plus strand (C>G on the coding strand, the complement: MYOM1 is on the minus strand). VCF-style: chr18-3176055-G-C. GRCh37 (hg19) VCF-style: chr18-3176053-G-C.
Other names: c.1009C>G, p.Leu337Val (NM_019856.2); c.1009C>G (NM_003803.3); short protein forms L337V.
Identifiers: ClinVar variation 1050922 (VCV001050922.11), dbSNP rs756839782, ClinGen allele CA8875100.